The following is an entry in ClinVar:

ClinVar aggregate classification (germline): Uncertain significance (1 of 4 stars; one submission).

Conditions:
Arrhythmogenic cardiomyopathy with wooly hair and keratoderma. Also called: PALMOPLANTAR KERATODERMA WITH LEFT VENTRICULAR CARDIOMYOPATHY AND WOOLLY HAIR; Carvajal syndrome; Dilated cardiomyopathy with woolly hair and keratoderma; Arrhythmogenic cardiomyopathy with woolly hair and keratoderma. Identifiers: Orphanet 65282, MedGen C1854063, MONDO:0011581, OMIM 605676.

Allele frequency attached by ClinVar (database versions not stated): gnomAD exomes below 0.00001; ExAC 0.00001.
gnomAD v4.1: 1 of 1,614,176 alleles (0.000062%); highest among the groups gnomAD compares: South Asian, 0.0011%; no homozygotes.

Submission:

All of Us Research Program, National Institutes of Health
Classification: Uncertain significance for Arrhythmogenic cardiomyopathy with wooly hair and keratoderma. Last evaluated: 2023-09-04. Review status: criteria provided, single submitter. Criteria: ACMG Guidelines, 2015. Collection method: clinical testing. Allele origin: germline. Inheritance: Autosomal dominant inheritance. Observed: 1 variant allele, 1 heterozygote.
Comment: This missense variant replaces arginine with glycine at codon 790 of the DSP protein. Computational prediction is inconclusive regarding the impact of this variant on protein structure and function (internally defined REVEL score threshold 0.5 < inconclusive < 0.7, PMID: 27666373). To our knowledge, functional studies have not been reported for this variant. This variant has not been reported in individuals affected with DSP-related disorders in the literature. This variant has been identified in 1/251400 chromosomes in the general population by the Genome Aggregation Database (gnomAD). The available evidence is insufficient to determine the role of this variant in disease conclusively. Therefore, this variant is classified as a Variant of Uncertain Significance.

This study involves interpretation of variants in research participants for the purpose of population health screening. Participant phenotype was not available at the time of variant classification. Additional details can be found in publication PMID: 35346344, PMCID: PMC8962531

NM_004415.4(DSP):c.2368A>G (p.Arg790Gly)

Gene: DSP (desmoplakin; plus strand). Cytogenetic location: 6p24.3.
Variant type: single nucleotide variant.
Coding change: c.2368A>G on transcript NM_004415.4 (MANE Select); coding-DNA position 2368, A replaced by G.
Protein change: p.Arg790Gly; replaces arginine 790 with glycine.
Molecular consequence: missense variant.
Genome position (GRCh38, 1-based): chr6:7,574,727, A>G. VCF-style: chr6-7574727-A-G. GRCh37 (hg19) VCF-style: chr6-7574960-A-G.
Other names: c.2368A>G, p.Arg790Gly (NM_001008844.3, NM_001319034.2); short protein forms R790G.
Identifiers: ClinVar variation 3073309 (VCV003073309.1), dbSNP rs747514474, ClinGen allele CA032977.
Genomic context (GRCh38, chr6:7,574,727, plus strand): 5'-GTAAGGGCACTGCTCCAGGCTATTCTCCAAACAGAAGACATGTTAAAGGTTTATGAAGCC[A>G]GGCTCACTGAGGAGGAAACTGTCTGCCTGGACCTGGATAAAGTGGAAGCTTACCGCTGTG-3'
Protein context (NP_004406.2, residues 780-800): TEDMLKVYEA[Arg790Gly]LTEEETVCLD